The following is an entry in ClinVar:

NM_133171.5(ELMO2):c.1802-1G>C

Gene: ELMO2 (engulfment and cell motility 2; minus strand). Cytogenetic location: 20q13.12.
Variant type: single nucleotide variant.
Coding change: c.1802-1G>C on transcript NM_133171.5 (MANE Select); the canonical splice acceptor site of the intron before coding-DNA position 1802, G replaced by C.
Molecular consequence: splice acceptor variant.
Genome position (GRCh38, 1-based): chr20:46,370,526, C>G on the plus strand (G>C on the coding strand, the complement: ELMO2 is on the minus strand). VCF-style: chr20-46370526-C-G. GRCh37 (hg19) VCF-style: chr20-44999165-C-G.
Other names: IVS19AS, G-C, -1; c.1538-1G>C (NM_001318253.2); c.1802-1G>C (NM_182764.3).
Identifiers: ClinVar variation 254192 (VCV000254192.2), dbSNP rs886037918, ClinGen allele CA10586367.

ClinVar aggregate classification (germline): Likely pathogenic. Review status: criteria provided, single submitter (1 of 4 stars). 2 submissions from 2 submitters: Likely pathogenic (1). 1 of the submissions does not count toward it. Last evaluated 2020-07-16.

Conditions:
Primary intraosseous venous malformation. Also called: HEMANGIOMA, INTRAOSSEOUS; VASCULAR MALFORMATION OSSEOUS; Vascular malformation, primary intraosseous. Identifiers: Orphanet 140436, MedGen C1847197, MONDO:0011744, OMIM 606893.

Submissions (2):

Baylor Genetics
Classification: Likely pathogenic for Primary intraosseous venous malformation. Last evaluated: 2020-07-16. Review status: criteria provided, single submitter. Criteria: ACMG Guidelines, 2015. Collection method: clinical testing. Allele origin: unknown. Affected: yes.
Comment: This variant was determined to be likely pathogenic according to ACMG Guidelines, 2015 [PMID:25741868].

OMIM
Classification: Pathogenic for VASCULAR MALFORMATION, PRIMARY INTRAOSSEOUS. Last evaluated: 2016-09-13. Review status: no assertion criteria provided. Collection method: literature only. Allele origin: germline. Not counted in ClinVar's aggregate classification.

Literature cited by the submitters: PubMed 27476657 (cited by OMIM).